The following is an entry in ClinVar:

NM_002470.4(MYH3):c.1853T>C (p.Leu618Pro)

Gene: MYH3 (myosin heavy chain 3; minus strand). Cytogenetic location: 17p13.1.
Variant type: single nucleotide variant.
Coding change: c.1853T>C on transcript NM_002470.4 (MANE Select); coding-DNA position 1853, T replaced by C.
Protein change: p.Leu618Pro; replaces leucine 618 with proline.
Molecular consequence: missense variant.
Genome position (GRCh38, 1-based): chr17:10,642,452, A>G on the plus strand (T>C on the coding strand, the complement: MYH3 is on the minus strand). VCF-style: chr17-10642452-A-G. GRCh37 (hg19) VCF-style: chr17-10545769-A-G.
Other names: short protein forms L618P.
Identifiers: ClinVar variation 3634455 (VCV003634455.2).
Genomic context (GRCh38, chr17:10,642,452, plus strand): 5'-CATGGACACAAAGCACTCCTCTTACCATCCGCCGTGGCAAACGTGGCATAGAGGTGTGCC[A>G]GGAGCCTGTTGGAAGACTTCTGGTACAGCCCAACCACAGTCTCGTTCAGAGGGTCCTTGT-3'
Protein context (NP_002461.2, residues 608-628): GLYQKSSNRL[Leu618Pro]AHLYATFATA

ClinVar aggregate classification (germline): Uncertain significance (1 of 4 stars; one submission).

Submission:

Labcorp Genetics (formerly Invitae), Labcorp
Classification: Uncertain significance. Last evaluated: 2024-08-02. Review status: criteria provided, single submitter. Criteria: Invitae Variant Classification Sherloc (09022015). Collection method: clinical testing. Allele origin: germline.
Comment: This sequence change replaces leucine, which is neutral and non-polar, with proline, which is neutral and non-polar, at codon 618 of the MYH3 protein (p.Leu618Pro). This variant is not present in population databases (gnomAD no frequency). This variant has not been reported in the literature in individuals affected with MYH3-related conditions. Advanced modeling of protein sequence and biophysical properties (such as structural, functional, and spatial information, amino acid conservation, physicochemical variation, residue mobility, and thermodynamic stability) has been performed at Invitae for this missense variant, however the output from this modeling did not meet the statistical confidence thresholds required to predict the impact of this variant on MYH3 protein function. In summary, the available evidence is currently insufficient to determine the role of this variant in disease. Therefore, it has been classified as a Variant of Uncertain Significance.